The following is an entry in ClinVar:

ClinVar aggregate classification (germline): Pathogenic. Review status: criteria provided, multiple submitters, no conflicts (2 of 4 stars). 7 submissions from 7 submitters: Pathogenic (7). Last evaluated 2025-11-19.

Conditions:
Methylmalonic aciduria due to methylmalonyl-CoA mutase deficiency (MAMM). Also called: Methylmalonic aciduria, mut type. Identifiers: Orphanet 27, MedGen C1855114, MONDO:0009612, OMIM 251000.
Methylmalonic aciduria due to complete methylmalonyl-CoA mutase deficiency.
Methylmalonic acidemia (MMA). Also called: Isolated Methylmalonic Acidemia. Identifiers: MedGen C0268583, MeSH C537358, MONDO:0002012, HP:0002912.

Allele frequency attached by ClinVar (database versions not stated): ExAC 0.00001; gnomAD 0.00001; gnomAD exomes 0.00001; TOPMed 0.00003; 1000 Genomes Project 0.00020; 1000 Genomes Project 30x 0.00031.
gnomAD v4.1: 5 of 1,614,154 alleles (0.00031%); highest among the groups gnomAD compares: African/African-American, 0.0053%; no homozygotes.

Submissions (7):

Labcorp Genetics (formerly Invitae), Labcorp
Classification: Pathogenic. Last evaluated: 2025-11-19. Review status: criteria provided, single submitter. Criteria: Invitae Variant Classification Sherloc (09022015). Collection method: clinical testing. Allele origin: germline.
Comment: This sequence change replaces glycine, which is neutral and non-polar, with valine, which is neutral and non-polar, at codon 94 of the MUT protein (p.Gly94Val). This variant is present in population databases (rs535411418, gnomAD 0.01%). This missense change has been observed in individual(s) with methylmalonic aciduria (PMID: 9285782, 16281286). ClinVar contains an entry for this variant (Variation ID: 657887). Invitae Evidence Modeling of protein sequence and biophysical properties (such as structural, functional, and spatial information, amino acid conservation, physicochemical variation, residue mobility, and thermodynamic stability) indicates that this missense variant is expected to disrupt MUT protein function with a positive predictive value of 95%. Experimental studies have shown that this missense change affects MUT function (PMID: 9285782). For these reasons, this variant has been classified as Pathogenic.

GeneDx
Classification: Pathogenic. Last evaluated: 2025-05-14. Review status: criteria provided, single submitter. Criteria: GeneDx Variant Classification Process June 2021. Collection method: clinical testing. Allele origin: germline. Affected: yes.
Comment: Published functional studies found this variant is associated with significantly reduced enzyme activity (PMID: 9285782); Not observed at significant frequency in large population cohorts (gnomAD); In silico analysis supports that this missense variant has a deleterious effect on protein structure/function; This variant is associated with the following publications: (PMID: 9285782, 15643616, 27233228, 25322992, 36186952, 25959030, 17113806, 16490061)

Natera, Inc.
Classification: Pathogenic for Methylmalonic aciduria due to complete methylmalonyl-CoA mutase deficiency. Last evaluated: 2024-04-18. Review status: criteria provided, single submitter. Criteria: Natera Variant Classification Schema (03/2026). Collection method: clinical testing. Allele origin: germline.
Comment: The c.281G>T variant in MMUT is a missense variant predicted to cause substitution of glycine to valine at amino acid 94. This variant is rare in the general population with a frequency below the threshold expected for the associated phenotype(s). This variant has been observed in one or more individuals affected with the associated recessive disease, as either homozygous or compound heterozygous with a second variant (PMID: 16281286). Given the available evidence, this variant is classified as Pathogenic.

Revvity Omics, Revvity
Classification: Pathogenic for Methylmalonic aciduria due to methylmalonyl-CoA mutase deficiency. Last evaluated: 2022-12-13. Review status: criteria provided, single submitter. Criteria: ACMG Guidelines, 2015. Collection method: clinical testing. Allele origin: germline.

Fulgent Genetics
Classification: Pathogenic for Methylmalonic aciduria due to methylmalonyl-CoA mutase deficiency. Last evaluated: 2021-12-11. Review status: criteria provided, single submitter. Criteria: ACMG Guidelines, 2015. Collection method: clinical testing. Allele origin: unknown.

Women's Health and Genetics/Laboratory Corporation of America, LabCorp
Classification: Pathogenic for Methylmalonic acidemia. Last evaluated: 2020-10-01. Review status: criteria provided, single submitter. Criteria: LabCorp Variant Classification Summary - May 2015. Collection method: clinical testing. Allele origin: germline.
Comment: Variant summary: MUT c.281G>T (p.Gly94Val) results in a non-conservative amino acid change located in the Methylmalonyl-COA mutase, alpha chain, catalytic domain (IPR006098) of the encoded protein sequence. Five of five in-silico tools predict a damaging effect of the variant on protein function. The variant allele was found at a frequency of 8e-06 in 251456 control chromosomes. c.281G>T has been reported in the literature in multiple individuals affected with Methylmalonic Acidemia and has been subsequently cited by others (example, Janata_1997, Worgan_2006, Lempp_2007, Chu_2016). These data indicate that the variant is very likely to be associated with disease. At least one publication reports experimental evidence evaluating an impact on protein function. The most pronounced variant effect results in <10% of normal enzyme kinetic activity (Janata_1997). Two clinical diagnostic laboratories have submitted clinical-significance assessments for this variant to ClinVar after 2014 without evidence for independent evaluation. All laboratories classified the variant as pathogenic. Based on the evidence outlined above, the variant was classified as pathogenic.

CeGaT Center for Human Genetics Tuebingen
Classification: Pathogenic. Last evaluated: 2018-07-01. Review status: criteria provided, single submitter. Criteria: CeGaT Center For Human Genetics Tuebingen Variant Classification Criteria Version 2. Collection method: clinical testing. Allele origin: germline. Affected: yes. Observed: 1 variant allele.

Literature cited by the submitters: PubMed 9285782 (cited by Labcorp Genetics (formerly Invitae), Labcorp and Women's Health and Genetics/Laboratory Corporation of America, LabCorp); PubMed 16281286 (cited by 3 submitters); PubMed 17113806 (cited by Women's Health and Genetics/Laboratory Corporation of America, LabCorp); PubMed 27233228 (cited by Women's Health and Genetics/Laboratory Corporation of America, LabCorp).

NM_000255.4(MMUT):c.281G>T (p.Gly94Val)

Gene: MMUT (methylmalonyl-CoA mutase; minus strand). Cytogenetic location: 6p12.3.
Variant type: single nucleotide variant.
Coding change: c.281G>T on transcript NM_000255.4 (MANE Select); coding-DNA position 281, G replaced by T.
Protein change: p.Gly94Val; replaces glycine 94 with valine.
Molecular consequence: missense variant.
Genome position (GRCh38, 1-based): chr6:49,459,186, C>A on the plus strand (G>T on the coding strand, the complement: MMUT is on the minus strand). VCF-style: chr6-49459186-C-A. GRCh37 (hg19) VCF-style: chr6-49426899-C-A.
Other names: short protein forms G94V.
Identifiers: ClinVar variation 657887 (VCV000657887.57), dbSNP rs535411418, ClinGen allele CA3847145.